The following is an entry in ClinVar:

ClinVar aggregate classification (germline): Benign (1 of 4 stars; one submission).

Conditions:
Danon disease. Also called: ANTOPOL DISEASE; PSEUDOGLYCOGENOSIS II; GSD IIb; LYSOSOMAL GLYCOGEN STORAGE DISEASE WITHOUT ACID MALTASE DEFICIENCY; Glycogen Storage Disease Type IIb. Identifiers: Orphanet 34587, MedGen C0878677, MONDO:0010281, OMIM 300257.

Allele frequency attached by ClinVar (database versions not stated): gnomAD 0.00178 and 0.00177; TOPMed 0.00181; 1000 Genomes Project 30x 0.00042; 1000 Genomes Project 0.00053.

Submission:

Illumina Laboratory Services, Illumina
Classification: Benign for Danon disease. Last evaluated: 2018-01-12. Review status: criteria provided, single submitter. Criteria: ICSL Variant Classification Criteria 13 December 2019. Collection method: clinical testing. Allele origin: germline.
Comment: This variant was observed in the ICSL laboratory as part of a predisposition screen in an ostensibly healthy population. It had not been previously curated by ICSL or reported in the Human Gene Mutation Database (HGMD: prior to June 1st, 2018), and was therefore a candidate for classification through an automated scoring system. Utilizing variant allele frequency, disease prevalence and penetrance estimates, and inheritance mode, an automated score was calculated to assess if this variant is too frequent to cause the disease. Based on the score and internal cut-off values, a variant classified as benign is not then subjected to further curation. The score for this variant resulted in a classification of benign for this disease.

NM_002294.3(LAMP2):c.*3583A>G

Gene: LAMP2 (lysosome associated membrane protein 2; minus strand). Cytogenetic location: Xq24.
Variant type: single nucleotide variant.
Coding change: c.*3583A>G on transcript NM_002294.3 (MANE Select); 3583 bases downstream of the stop codon, A replaced by G.
Molecular consequence: 3 prime UTR variant.
Genome position (GRCh38, 1-based): chrX:120,427,740, T>C on the plus strand (A>G on the coding strand, the complement: LAMP2 is on the minus strand). VCF-style: chrX-120427740-T-C. GRCh37 (hg19) VCF-style: chrX-119561595-T-C.
Other names: c.*744A>G (NM_001122606.1).
Identifiers: ClinVar variation 914066 (VCV000914066.4), dbSNP rs144504054, ClinGen allele CA335012102.